The following is an entry in ClinVar:

NM_004369.4(COL6A3):c.7979A>G (p.His2660Arg)

Gene: COL6A3 (collagen type VI alpha 3 chain; minus strand). Cytogenetic location: 2q37.3.
Variant type: single nucleotide variant.
Coding change: c.7979A>G on transcript NM_004369.4 (MANE Select); coding-DNA position 7979, A replaced by G.
Protein change: p.His2660Arg; replaces histidine 2660 with arginine.
Molecular consequence: missense variant.
Genome position (GRCh38, 1-based): chr2:237,340,937, T>C on the plus strand (A>G on the coding strand, the complement: COL6A3 is on the minus strand). VCF-style: chr2-237340937-T-C. GRCh37 (hg19) VCF-style: chr2-238249580-T-C.
Other names: c.6158A>G, p.His2053Arg (NM_057166.5); c.7361A>G, p.His2454Arg (NM_057167.4); short protein forms H2454R, H2053R, H2660R.
Identifiers: ClinVar variation 1968541 (VCV001968541.6), dbSNP rs1224352143, ClinGen allele CA351197012.
Genomic context (GRCh38, chr2:237,340,937, plus strand): 5'-ATGCTGGCATTGTCCACGGACTCAGAGGGCGCGTGCTGCACAACTGCCACTCTGGCGAAG[T>C]GCTGGGAGGCCTTGGGATCTGGGCTCATGTCCAGTTGTCTGACCAGGTACGCTATGTACT-3'
Protein context (NP_004360.2, residues 2650-2670): DMSPDPKASQ[His2660Arg]FARVAVVQHA

ClinVar aggregate classification (germline): Uncertain significance. Review status: criteria provided, multiple submitters, no conflicts (2 of 4 stars). 2 submissions from 2 submitters: Uncertain significance (2). Last evaluated 2025-12-22.

Conditions:
Bethlem myopathy 1A. Also called: MYOPATHY, BENIGN CONGENITAL, WITH CONTRACTURES; Bethlem myopathy 1; Bethlem Muscular Dystrophy. Identifiers: Orphanet 610, MedGen CN029274, MONDO:0024530, OMIM 158810.

Allele frequency attached by ClinVar (database versions not stated): gnomAD exomes below 0.00001.
gnomAD v4.1: 1 of 1,613,620 alleles (0.000062%); highest among the groups gnomAD compares: Non-Finnish European, 0.000085%; no homozygotes.

Submissions (2):

Labcorp Genetics (formerly Invitae), Labcorp
Classification: Uncertain significance for Bethlem myopathy 1A. Last evaluated: 2025-12-22. Review status: criteria provided, single submitter. Criteria: Invitae Variant Classification Sherloc (09022015). Collection method: clinical testing. Allele origin: germline.
Comment: This sequence change replaces histidine, which is basic and polar, with arginine, which is basic and polar, at codon 2660 of the COL6A3 protein (p.His2660Arg). This variant is present in population databases (no rsID available, gnomAD 0.0009%). This variant has not been reported in the literature in individuals affected with COL6A3-related conditions. ClinVar contains an entry for this variant (Variation ID: 1968541). Invitae Evidence Modeling of protein sequence and biophysical properties (such as structural, functional, and spatial information, amino acid conservation, physicochemical variation, residue mobility, and thermodynamic stability) indicates that this missense variant is not expected to disrupt COL6A3 protein function with a negative predictive value of 80%. In summary, the available evidence is currently insufficient to determine the role of this variant in disease. Therefore, it has been classified as a Variant of Uncertain Significance.

GeneDx
Classification: Uncertain significance. Last evaluated: 2025-01-31. Review status: criteria provided, single submitter. Criteria: GeneDx Variant Classification Process June 2021. Collection method: clinical testing. Allele origin: germline. Affected: yes.
Comment: Not observed at significant frequency in large population cohorts (gnomAD); In silico analysis supports that this missense variant has a deleterious effect on protein structure/function; Has not been previously published as pathogenic or benign to our knowledge